The following is an entry in ClinVar:

NM_001458.5(FLNC):c.1027A>G (p.Lys343Glu)

Gene: FLNC (filamin C; plus strand). Cytogenetic location: 7q32.1.
Variant type: single nucleotide variant.
Coding change: c.1027A>G on transcript NM_001458.5 (MANE Select); coding-DNA position 1027, A replaced by G.
Protein change: p.Lys343Glu; replaces lysine 343 with glutamic acid.
Molecular consequence: missense variant.
Genome position (GRCh38, 1-based): chr7:128,838,044, A>G. VCF-style: chr7-128838044-A-G. GRCh37 (hg19) VCF-style: chr7-128478098-A-G.
Other names: c.1027A>G, p.Lys343Glu (NM_001127487.2); short protein forms K343E.
Identifiers: ClinVar variation 657288 (VCV000657288.12), dbSNP rs745495679, ClinGen allele CA4474198.

ClinVar aggregate classification (germline): Uncertain significance. Review status: criteria provided, multiple submitters, no conflicts (2 of 4 stars). 2 submissions from 2 submitters: Uncertain significance (2). Last evaluated 2025-04-27.

Conditions:
Myofibrillar myopathy 5. Also called: Filaminopathy (type); FILAMINOPATHY, AUTOSOMAL DOMINANT. Identifiers: Orphanet 171445, MedGen C1836050, MONDO:0012289, OMIM 609524.
Hypertrophic cardiomyopathy 26. Also called: Cardiomyopathy, familial hypertrophic, 26. Identifiers: Orphanet 75249, MedGen C4310749, MONDO:0014883, OMIM 617047.
Distal myopathy with posterior leg and anterior hand involvement. Also called: WILLIAMS DISTAL MYOPATHY. Identifiers: Orphanet 63273, MedGen C3279722, MONDO:0013550, OMIM 614065.

Allele frequency attached by ClinVar (database versions not stated): TOPMed below 0.00001; ExAC 0.00001; gnomAD 0.00003; gnomAD exomes 0.00001.
gnomAD v4.1: 15 of 1,613,802 alleles (0.00093%); highest among the groups gnomAD compares: Non-Finnish European, 0.0013%; no homozygotes.

Submissions (2):

Labcorp Genetics (formerly Invitae), Labcorp
Classification: Uncertain significance for Distal myopathy with posterior leg and anterior hand involvement; Myofibrillar myopathy 5; Hypertrophic cardiomyopathy 26. Last evaluated: 2025-04-27. Review status: criteria provided, single submitter. Criteria: Invitae Variant Classification Sherloc (09022015). Collection method: clinical testing. Allele origin: germline.
Comment: This sequence change replaces lysine, which is basic and polar, with glutamic acid, which is acidic and polar, at codon 343 of the FLNC protein (p.Lys343Glu). This variant is present in population databases (rs745495679, gnomAD 0.003%). This variant has not been reported in the literature in individuals affected with FLNC-related conditions. ClinVar contains an entry for this variant (Variation ID: 657288). Invitae Evidence Modeling of protein sequence and biophysical properties (such as structural, functional, and spatial information, amino acid conservation, physicochemical variation, residue mobility, and thermodynamic stability) has been performed for this missense variant. However, the output from this modeling did not meet the statistical confidence thresholds required to predict the impact of this variant on FLNC protein function. In summary, the available evidence is currently insufficient to determine the role of this variant in disease. Therefore, it has been classified as a Variant of Uncertain Significance.

Revvity Omics, Revvity
Classification: Uncertain significance. Last evaluated: 2024-10-28. Review status: criteria provided, single submitter. Criteria: ACMG Guidelines, 2015. Collection method: clinical testing. Allele origin: germline.